The following is an entry in ClinVar:

NM_016239.4(MYO15A):c.3955T>C (p.Ser1319Pro)

Gene: MYO15A (myosin XVA; plus strand). Cytogenetic location: 17p11.2.
Variant type: single nucleotide variant.
Coding change: c.3955T>C on transcript NM_016239.4 (MANE Select); coding-DNA position 3955, T replaced by C.
Protein change: p.Ser1319Pro; replaces serine 1319 with proline.
Molecular consequence: missense variant.
Genome position (GRCh38, 1-based): chr17:18,127,088, T>C. VCF-style: chr17-18127088-T-C. GRCh37 (hg19) VCF-style: chr17-18030402-T-C.
Other names: short protein forms S1319P.
Identifiers: ClinVar variation 4531638 (VCV004531638.2).

ClinVar aggregate classification (germline): Likely pathogenic (1 of 4 stars; one submission).

Conditions:
Autosomal recessive nonsyndromic hearing loss 3. Also called: NEUROSENSORY NONSYNDROMIC RECESSIVE DEAFNESS 3. Identifiers: Orphanet 90636, MedGen C1838263, MONDO:0010860, OMIM 600316.

Submission:

Victorian Clinical Genetics Services, Murdoch Childrens Research Institute
Classification: Likely pathogenic for Autosomal recessive nonsyndromic hearing loss 3. Last evaluated: 2026-01-18. Review status: criteria provided, single submitter. Criteria: ACMG Guidelines, 2015. Collection method: clinical testing. Allele origin: germline. Affected: yes.
Comment: This variant is classified as Likely pathogenic. Evidence in support of pathogenic classification: Variant is absent from gnomAD (v2, v3 and v4); This variant has moderate evidence for segregation with disease. This variant has been shown to segregate with autosomal recessive deafness in two individuals from one family (VCGS internal data); Another missense variant comparable to the one identified in this case has limited previous evidence for pathogenicity. p.(Ser1319Cys) has been classified as likely pathogenic in ClinVar, and reported in the literature in at least one individual with hearing loss (PMIDs: 31850270, 38374194). NB: The ClinVar entry and literature may be the same individual; Missense variant predicted to be damaging by in silico tool(s) or highly conserved with a major amino acid change. Additional information: Variant is predicted to result in a missense amino acid change from Ser to Pro; This variant is homozygous; This gene is associated with autosomal recessive disease; Alternative amino acid change(s) at the same position are present in gnomAD (Highest alelle count: v4: 6 heterozygote(s), 0 homozygote(s)); This variant has no previous evidence of pathogenicity. It has been classified as pathogenic by the Molecular Otolaryngology & Renal Research Lab (MORL) for sensorineural hearing loss (Deafness Variation Database); however, the individual tested is likely a family member of this proband; No published functional evidence has been identified for this variant; Variant is located in the annotated ATP binding site within the myosin head (motor domain) (NCBI, DECIPHER); Loss of function is a known mechanism of disease in this gene and is associated with deafness, autosomal recessive 3 (MIM#600316); Inheritance information for this variant is not currently available in this individual.

Literature cited by the submitters: PubMed 31850270; PubMed 38374194.